The following is an entry in ClinVar:

ClinVar aggregate classification (germline): Likely benign (1 of 4 stars; one submission).

Conditions:
Juvenile polyposis syndrome (JPS). Identifiers: Orphanet 2929, MedGen C0345893, MONDO:0017380, OMIM 174900.

Submission:

Myriad Genetics, Inc.
Classification: Likely benign for Juvenile polyposis syndrome. Last evaluated: 2024-08-07. Review status: criteria provided, single submitter. Criteria: Myriad Autosomal Dominant, Autosomal Recessive and X-Linked Classification Criteria (2023). Collection method: clinical testing. Allele origin: unknown.
Comment: This variant is considered likely benign. This variant is intronic and is not expected to impact mRNA splicing.

NM_004329.3(BMPR1A):c.1342+7G>T

Gene: BMPR1A (bone morphogenetic protein receptor type 1A; plus strand). Cytogenetic location: 10q23.2.
Variant type: single nucleotide variant.
Coding change: c.1342+7G>T on transcript NM_004329.3 (MANE Select); 7 bases into the intron after coding-DNA position 1342, G replaced by T.
Molecular consequence: intron variant.
Genome position (GRCh38, 1-based): chr10:86,921,702, G>T. VCF-style: chr10-86921702-G-T. GRCh37 (hg19) VCF-style: chr10-88681459-G-T.
Other names: c.1342+7G>T (NM_001406562.1, NM_001406568.1, NM_001406567.1 and 19 more transcripts); c.1258+7G>T (NM_001406584.1, NM_001406588.1, NM_001406587.1 and 2 more transcripts); c.1390+7G>T (NM_001406560.1); c.1417+7G>T (NM_001406559.1); c.1336+7G>T (NM_001406583.1); c.1000+7G>T (NM_001406589.1).
Identifiers: ClinVar variation 3378679 (VCV003378679.1).